The following is an entry in ClinVar:

ClinVar aggregate classification (germline): Uncertain significance (1 of 4 stars; one submission).

Allele frequency attached by ClinVar (database versions not stated): gnomAD exomes below 0.00001; TOPMed below 0.00001; gnomAD 0.00002.
gnomAD v4.1: 23 of 1,614,118 alleles (0.0014%); highest among the groups gnomAD compares: Non-Finnish European, 0.0019%; no homozygotes.

Submission:

Labcorp Genetics (formerly Invitae), Labcorp
Classification: Uncertain significance. Last evaluated: 2023-12-11. Review status: criteria provided, single submitter. Criteria: Invitae Variant Classification Sherloc (09022015). Collection method: clinical testing. Allele origin: germline.
Comment: This sequence change replaces histidine, which is basic and polar, with tyrosine, which is neutral and polar, at codon 3060 of the SZT2 protein (p.His3060Tyr). This variant is present in population databases (no rsID available, gnomAD 0.002%). This variant has not been reported in the literature in individuals affected with SZT2-related conditions. ClinVar contains an entry for this variant (Variation ID: 957018). Advanced modeling of protein sequence and biophysical properties (such as structural, functional, and spatial information, amino acid conservation, physicochemical variation, residue mobility, and thermodynamic stability) performed at Invitae indicates that this missense variant is expected to disrupt SZT2 protein function with a positive predictive value of 80%. In summary, the available evidence is currently insufficient to determine the role of this variant in disease. Therefore, it has been classified as a Variant of Uncertain Significance.

NM_001365999.1(SZT2):c.9349C>T (p.His3117Tyr)

Gene: SZT2 (SZT2 subunit of KICSTOR complex; plus strand). Cytogenetic location: 1p34.2.
Variant type: single nucleotide variant.
Coding change: c.9349C>T on transcript NM_001365999.1 (MANE Select); coding-DNA position 9349, C replaced by T.
Protein change: p.His3117Tyr; replaces histidine 3117 with tyrosine.
Molecular consequence: missense variant.
Genome position (GRCh38, 1-based): chr1:43,447,607, C>T. VCF-style: chr1-43447607-C-T. GRCh37 (hg19) VCF-style: chr1-43913278-C-T.
Other names: c.9178C>T, p.His3060Tyr (NM_015284.4); short protein forms H3117Y, H3060Y.
Identifiers: ClinVar variation 957018 (VCV000957018.7), dbSNP rs1186158602, ClinGen allele CA340042809.